The following is an entry in ClinVar:

NM_015629.4(PRPF31):c.1118del (p.Lys373fs)

Gene: PRPF31 (pre-mRNA processing factor 31; plus strand). Cytogenetic location: 19q13.42.
Variant type: Deletion.
Coding change: c.1118del on transcript NM_015629.4 (MANE Select); coding-DNA position 1118, one base deleted (A; older notation c.1118delA).
Protein change: p.Lys373fs; shifts the reading frame from lysine 373.
Molecular consequence: frameshift variant.
Genome position (GRCh38, 1-based): chr19:54,128,349, A deleted; the last of 2 consecutive A bases (chr19:54,128,348-54,128,349); deleting either gives the same sequence. VCF-style (leftmost placement, unchanged base first): chr19-54128347-GA-G. GRCh37 (hg19) VCF-style: chr19-54631722-GA-G.
Other names: short protein forms K373fs.
Identifiers: ClinVar variation 3650436 (VCV003650436.2).
Genomic context (GRCh38, chr19:54,128,347, plus strand): 5'-CCACCCACCCGTCCCCAGGTACCGCAAGATGAAGGAGCGGCTGGGGCTGACGGAGATCCG[GA>G]AGCAGGCCAACCGTATGAGCTTCGGAGAGGTCAGACTCCCAGAGCGCCCTCCTCAACCCC-3'

ClinVar aggregate classification (germline): Pathogenic (1 of 4 stars; one submission).

Submission:

Labcorp Genetics (formerly Invitae), Labcorp
Classification: Pathogenic. Last evaluated: 2024-04-19. Review status: criteria provided, single submitter. Criteria: Invitae Variant Classification Sherloc (09022015). Collection method: clinical testing. Allele origin: germline.
Comment: This sequence change creates a premature translational stop signal (p.Lys373Serfs*6) in the PRPF31 gene. It is expected to result in an absent or disrupted protein product. Loss-of-function variants in PRPF31 are known to be pathogenic (PMID: 18317597, 23950152). This variant is not present in population databases (gnomAD no frequency). This variant has not been reported in the literature in individuals affected with PRPF31-related conditions. For these reasons, this variant has been classified as Pathogenic.

Literature cited by the submitters: PubMed 18317597; PubMed 23950152.